The following is an entry in ClinVar:

ClinVar aggregate classification (germline): Likely benign (1 of 4 stars; one submission).

Conditions:
Marfan syndrome (MFS). Also called: MARFAN SYNDROME, TYPE I; Marfan syndrome type 1; Marfan's syndrome; Marfan syndrome, classic; FBN1-Related Marfan Syndrome. Identifiers: Orphanet 284963, Orphanet 558, MedGen C0024796, MONDO:0007947, OMIM 154700.

Submission:

All of Us Research Program, National Institutes of Health
Classification: Likely benign for Marfan syndrome. Last evaluated: 2023-12-13. Review status: criteria provided, single submitter. Criteria: ACMG Guidelines, 2015. Collection method: clinical testing. Allele origin: germline. Inheritance: Autosomal dominant inheritance. Observed: 2 variant alleles, 2 heterozygotes.
Comment: This study involves interpretation of variants in research participants for the purpose of population health screening. Participant phenotype was not available at the time of variant classification. Additional details can be found in publication PMID: 35346344, PMCID: PMC8962531

NM_000138.5(FBN1):c.3429C>T (p.Gly1143=)

Gene: FBN1 (fibrillin 1; minus strand). Cytogenetic location: 15q21.1.
Variant type: single nucleotide variant.
Coding change: c.3429C>T on transcript NM_000138.5 (MANE Select); coding-DNA position 3429, C replaced by T.
Protein change: p.Gly1143=; no amino-acid change (glycine 1143 retained).
Molecular consequence: synonymous variant.
Genome position (GRCh38, 1-based): chr15:48,487,346, G>A on the plus strand (C>T on the coding strand, the complement: FBN1 is on the minus strand). VCF-style: chr15-48487346-G-A. GRCh37 (hg19) VCF-style: chr15-48779543-G-A.
Other names: c.3429C>T, p.Gly1143= (NM_001406716.1).
Identifiers: ClinVar variation 3071147 (VCV003071147.1), dbSNP rs151232024, ClinGen allele CA490018264.